The following is an entry in ClinVar:

NM_032578.4(MYPN):c.480G>C (p.Glu160Asp)

Gene: MYPN (myopalladin; plus strand). Cytogenetic location: 10q21.3.
Variant type: single nucleotide variant.
Coding change: c.480G>C on transcript NM_032578.4 (MANE Select); coding-DNA position 480, G replaced by C.
Protein change: p.Glu160Asp; replaces glutamic acid 160 with aspartic acid.
Molecular consequence: missense variant. On other transcripts: 5 prime UTR variant (1), non-coding transcript variant (1).
Genome position (GRCh38, 1-based): chr10:68,121,918, G>C. VCF-style: chr10-68121918-G-C. GRCh37 (hg19) VCF-style: chr10-69881675-G-C.
Other names: c.480G>C, p.Glu160Asp (NM_001256267.2); c.-643G>C (NM_001256268.2); short protein forms E160D.
Identifiers: ClinVar variation 3298128 (VCV003298128.1).

ClinVar aggregate classification (germline): Uncertain significance (1 of 4 stars; one submission).

Conditions:
Cardiovascular phenotype. Identifiers: MedGen CN230736.

gnomAD v4.1: 5 of 1,614,168 alleles (0.00031%); highest among the groups gnomAD compares: Non-Finnish European, 0.00042%; no homozygotes.

Submission:

Ambry Genetics
Classification: Uncertain significance for Cardiovascular phenotype. Last evaluated: 2024-03-27. Review status: criteria provided, single submitter. Criteria: Ambry Variant Classification Scheme 2023. Collection method: clinical testing. Allele origin: germline.
Comment: The p.E160D variant (also known as c.480G>C), located in coding exon 1 of the MYPN gene, results from a G to C substitution at nucleotide position 480. The glutamic acid at codon 160 is replaced by aspartic acid, an amino acid with highly similar properties. This amino acid position is conserved. In addition, the in silico prediction for this alteration is inconclusive. Based on the available evidence, the clinical significance of this alteration remains unclear.